The following is an entry in ClinVar:

ClinVar aggregate classification (germline): Uncertain significance (1 of 4 stars; one submission).

Conditions:
Norman-Roberts syndrome (LIS2). Also called: Lissencephaly 2 (Norman-Roberts type). Identifiers: Orphanet 89844, MedGen C0796089, MONDO:0009760, OMIM 257320.
Familial temporal lobe epilepsy 7. Identifiers: Orphanet 101046, MedGen C4225327, MONDO:0014639, OMIM 616436.

Submission:

Labcorp Genetics (formerly Invitae), Labcorp
Classification: Uncertain significance for Familial temporal lobe epilepsy 7; Norman-Roberts syndrome. Last evaluated: 2025-01-13. Review status: criteria provided, single submitter. Criteria: Invitae Variant Classification Sherloc (09022015). Collection method: clinical testing. Allele origin: germline.
Comment: This sequence change replaces glycine, which is neutral and non-polar, with glutamic acid, which is acidic and polar, at codon 1053 of the RELN protein (p.Gly1053Glu). This variant is not present in population databases (gnomAD no frequency). This missense change has been observed in individual(s) with RELN-related conditions (PMID: 33004838). ClinVar contains an entry for this variant (Variation ID: 954581). Invitae Evidence Modeling of protein sequence and biophysical properties (such as structural, functional, and spatial information, amino acid conservation, physicochemical variation, residue mobility, and thermodynamic stability) has been performed for this missense variant. However, the output from this modeling did not meet the statistical confidence thresholds required to predict the impact of this variant on RELN protein function. In summary, the available evidence is currently insufficient to determine the role of this variant in disease. Therefore, it has been classified as a Variant of Uncertain Significance.

Literature cited by the submitters: PubMed 33004838.

NM_005045.4(RELN):c.3158G>A (p.Gly1053Glu)

Gene: RELN (reelin; minus strand). Cytogenetic location: 7q22.1.
Variant type: single nucleotide variant.
Coding change: c.3158G>A on transcript NM_005045.4 (MANE Select); coding-DNA position 3158, G replaced by A.
Protein change: p.Gly1053Glu; replaces glycine 1053 with glutamic acid.
Molecular consequence: missense variant.
Genome position (GRCh38, 1-based): chr7:103,603,479, C>T on the plus strand (G>A on the coding strand, the complement: RELN is on the minus strand). VCF-style: chr7-103603479-C-T. GRCh37 (hg19) VCF-style: chr7-103243926-C-T.
Other names: c.3158G>A, p.Gly1053Glu (NM_173054.3); short protein forms G1053E.
Identifiers: ClinVar variation 954581 (VCV000954581.9), dbSNP rs1831728723, ClinGen allele CA368763481.